The following is an entry in ClinVar:

ClinVar aggregate classification (germline): Pathogenic/Likely pathogenic. Review status: criteria provided, multiple submitters, no conflicts (2 of 4 stars). 2 submissions from 2 submitters: Pathogenic (1); Likely pathogenic (1). Last evaluated 2025-08-30.

Allele frequency attached by ClinVar (database versions not stated): gnomAD 0.00001; gnomAD exomes 0.00001; TOPMed 0.00002; ExAC 0.00003.

Submissions (2):

Labcorp Genetics (formerly Invitae), Labcorp
Classification: Pathogenic. Last evaluated: 2025-08-30. Review status: criteria provided, single submitter. Criteria: Invitae Variant Classification Sherloc (09022015). Collection method: clinical testing. Allele origin: germline.
Comment: This sequence change creates a premature translational stop signal (p.Glu358*) in the DZIP1L gene. It is expected to result in an absent or disrupted protein product. Loss-of-function variants in DZIP1L are known to be pathogenic (PMID: 28530676). This variant is present in population databases (rs779215778, gnomAD 0.02%). This variant has not been reported in the literature in individuals affected with DZIP1L-related conditions. ClinVar contains an entry for this variant (Variation ID: 2975569). Algorithms developed to predict the effect of sequence changes on RNA splicing suggest that this variant may disrupt the consensus splice site. For these reasons, this variant has been classified as Pathogenic.

Dasa
Classification: Likely pathogenic. Last evaluated: 2025-06-06. Review status: criteria provided, single submitter. Criteria: DASA Assertion Criteria. Collection method: clinical testing. Allele origin: germline.
Comment: NM_173543.3(DZIP1L):c.1072G>T (p.Glu358*) is a nonsense variant in DZIP1L predicted to introduce a premature termination codon and is predicted to result in an absent or altered protein product. Loss of function is an established disease mechanism for DZIP1L-associated disorders. Also, this variant is rare in population databases. Based on the currently available evidence, this variant is classified as likely pathogenic.

Literature cited by the submitters: PubMed 28530676 (cited by Labcorp Genetics (formerly Invitae), Labcorp).

NM_173543.3(DZIP1L):c.1072G>T (p.Glu358Ter)

Gene: DZIP1L (DAZ interacting zinc finger protein 1 like; minus strand). Cytogenetic location: 3q22.3.
Variant type: single nucleotide variant.
Coding change: c.1072G>T on transcript NM_173543.3 (MANE Select); coding-DNA position 1072, G replaced by T.
Protein change: p.Glu358Ter; replaces glutamic acid 358 with a stop codon.
Molecular consequence: nonsense.
Genome position (GRCh38, 1-based): chr3:138,084,244, C>A on the plus strand (G>T on the coding strand, the complement: DZIP1L is on the minus strand). VCF-style: chr3-138084244-C-A. GRCh37 (hg19) VCF-style: chr3-137803086-C-A.
Other names: c.1072G>T, p.Glu358Ter (NM_001170538.1); short protein forms E358*.
Identifiers: ClinVar variation 2975569 (VCV002975569.5), dbSNP rs779215778, ClinGen allele CA2635034.
Genomic context (GRCh38, chr3:138,084,244, plus strand): 5'-GGGACTGGGCAGCTGCCTTCTTCTGATCCTGAGACAGGGAGGCCTGGAGCCTCTGGTTCT[C>A]CTCCTGTAGCTGGCAGGCACAAGATGGCTGGTCAGTCAAATGTCTGCAGGGACATCTTAG-3'